The following is an entry in ClinVar:

ClinVar aggregate classification (germline): Conflicting classifications of pathogenicity. Review status: criteria provided, conflicting classifications (1 of 4 stars). 4 submissions from 4 submitters: Uncertain significance (2); Likely benign (1). 1 of the submissions does not count toward it. Last evaluated 2025-12-01.

Conditions:
Hereditary cancer-predisposing syndrome. Also called: Neoplastic Syndromes, Hereditary; Tumor predisposition; Hereditary Cancer Syndrome; Hereditary neoplastic syndrome. Identifiers: Orphanet 140162, MedGen C0027672, MeSH D009386, MONDO:0015356.
Familial adenomatous polyposis 1 (FAP1). Also called: FAMILIAL ADENOMATOUS POLYPOSIS 1, ATTENUATED; POLYPOSIS, ADENOMATOUS INTESTINAL. Identifiers: MedGen C2713442, MONDO:0021056, OMIM 175100. Disease mechanism: loss of function.
Classic or attenuated familial adenomatous polyposis. Identifiers: MedGen CN372698, MONDO:0021057.
APC-related disorder. Also called: APC-related condition.

Allele frequency attached by ClinVar (database versions not stated): gnomAD 0.00003.
gnomAD v4.1: 14 of 1,614,070 alleles (0.00087%); highest among the groups gnomAD compares: Non-Finnish European, 0.0012%; no homozygotes.

Submissions (4):

Labcorp Genetics (formerly Invitae), Labcorp
Classification: Uncertain significance for Familial adenomatous polyposis 1. Last evaluated: 2025-12-01. Review status: criteria provided, single submitter. Criteria: Invitae Variant Classification Sherloc (09022015). Collection method: clinical testing. Allele origin: germline.
Comment: This sequence change replaces serine, which is neutral and polar, with proline, which is neutral and non-polar, at codon 2459 of the APC protein (p.Ser2459Pro). This variant is not present in population databases (gnomAD no frequency). This variant has not been reported in the literature in individuals affected with APC-related conditions. ClinVar contains an entry for this variant (Variation ID: 482264). Invitae Evidence Modeling of protein sequence and biophysical properties (such as structural, functional, and spatial information, amino acid conservation, physicochemical variation, residue mobility, and thermodynamic stability) indicates that this missense variant is not expected to disrupt APC protein function with a negative predictive value of 95%. In summary, the available evidence is currently insufficient to determine the role of this variant in disease. Therefore, it has been classified as a Variant of Uncertain Significance.

Ambry Genetics
Classification: Likely benign for Hereditary cancer-predisposing syndrome. Last evaluated: 2025-05-29. Review status: criteria provided, single submitter. Criteria: Ambry Variant Classification Scheme 2023. Collection method: clinical testing. Allele origin: germline.

All of Us Research Program, National Institutes of Health
Classification: Uncertain significance for Classic or attenuated familial adenomatous polyposis. Last evaluated: 2023-06-28. Review status: criteria provided, single submitter. Criteria: ACMG Guidelines, 2015. Collection method: clinical testing. Allele origin: germline. Inheritance: Autosomal dominant inheritance. Observed: 2 variant alleles, 2 heterozygotes.
Comment: This missense variant replaces serine with proline at codon 2459 of the APC protein. Computational prediction suggests that this variant may not impact protein structure and function (internally defined REVEL score threshold <= 0.5, PMID: 27666373). To our knowledge, functional studies have not been reported for this variant. This variant has not been reported in individuals affected with APC-related disorders in the literature. This variant has been identified in 1/31398 chromosomes in the general population by the Genome Aggregation Database (gnomAD). The available evidence is insufficient to determine the role of this variant in disease conclusively. Therefore, this variant is classified as a Variant of Uncertain Significance.

This study involves interpretation of variants in research participants for the purpose of population health screening. Participant phenotype was not available at the time of variant classification. Additional details can be found in publication PMID: 35346344, PMCID: PMC8962531

PreventionGenetics, part of Exact Sciences
Classification: Uncertain significance for APC-related condition. Last evaluated: 2024-01-22. Review status: no assertion criteria provided. Collection method: clinical testing. Allele origin: germline. Not counted in ClinVar's aggregate classification.
Comment: The APC c.7375T>C variant is predicted to result in the amino acid substitution p.Ser2459Pro. To our knowledge, this variant has not been reported in the literature. This variant is reported in 0.0065% of alleles in individuals of European (Non-Finnish) descent in gnomAD and is classified as a variant of uncertain significance in ClinVar. At this time, the clinical significance of this variant is uncertain due to the absence of conclusive functional and genetic evidence.

NM_000038.6(APC):c.7375T>C (p.Ser2459Pro)

Gene: APC (APC regulator of Wnt signaling pathway; plus strand). Cytogenetic location: 5q22.2.
Variant type: single nucleotide variant.
Coding change: c.7375T>C on transcript NM_000038.6 (MANE Select); coding-DNA position 7375, T replaced by C.
Protein change: p.Ser2459Pro; replaces serine 2459 with proline.
Molecular consequence: missense variant.
Genome position (GRCh38, 1-based): chr5:112,842,969, T>C. VCF-style: chr5-112842969-T-C. GRCh37 (hg19) VCF-style: chr5-112178666-T-C.
Other names: c.6526T>C, p.Ser2176Pro (NM_001354906.2); c.7375T>C, p.Ser2459Pro (NM_001127510.3, NM_001354895.2); c.7321T>C, p.Ser2441Pro (NM_001127511.3); c.7429T>C, p.Ser2477Pro (NM_001354896.2); c.7405T>C, p.Ser2469Pro (NM_001354897.2); c.7300T>C, p.Ser2434Pro (NM_001354898.2); c.7291T>C, p.Ser2431Pro (NM_001354899.2); c.7252T>C, p.Ser2418Pro (NM_001354900.2); and 5 more; short protein forms S2441P, S2459P, S2176P, S2299P, S2358P, S2400P, S2418P, S2431P.
Identifiers: ClinVar variation 482264 (VCV000482264.20), dbSNP rs1554088287, ClinGen allele CA16037398.